The following is an entry in ClinVar:

ClinVar aggregate classification (germline): Conflicting classifications of pathogenicity. Review status: criteria provided, conflicting classifications (1 of 4 stars). 2 submissions from 2 submitters: Uncertain significance (1); Likely benign (1). Last evaluated 2025-12-19.

Allele frequency attached by ClinVar (database versions not stated): gnomAD exomes 0.00001; ExAC 0.00003; gnomAD 0.00003; TOPMed 0.00003.

Submissions (2):

Labcorp Genetics (formerly Invitae), Labcorp
Classification: Likely benign. Last evaluated: 2025-12-19. Review status: criteria provided, single submitter. Criteria: Invitae Variant Classification Sherloc (09022015). Collection method: clinical testing. Allele origin: germline.

GeneDx
Classification: Uncertain significance. Last evaluated: 2025-05-23. Review status: criteria provided, single submitter. Criteria: GeneDx Variant Classification Process June 2021. Collection method: clinical testing. Allele origin: germline.
Comment: Observed in a patient with adolescent idiopathic scoliosis in published literature (PMID: 26566670); In silico analysis supports that this missense variant has a deleterious effect on protein structure/function; Not located in the triple helical region, where the majority of pathogenic missense variants occur (HGMD); This variant is associated with the following publications: (PMID: 36095024, 26566670, 38958168, 36729443)

NM_001844.5(COL2A1):c.146C>T (p.Pro49Leu)

Gene: COL2A1 (collagen type II alpha 1 chain; minus strand). Cytogenetic location: 12q13.11.
Variant type: single nucleotide variant.
Coding change: c.146C>T on transcript NM_001844.5 (MANE Select); coding-DNA position 146, C replaced by T.
Protein change: p.Pro49Leu; replaces proline 49 with leucine.
Molecular consequence: missense variant. On other transcripts: intron variant (1).
Genome position (GRCh38, 1-based): chr12:48,000,065, G>A on the plus strand (C>T on the coding strand, the complement: COL2A1 is on the minus strand). VCF-style: chr12-48000065-G-A. GRCh37 (hg19) VCF-style: chr12-48393848-G-A.
Other names: c.86-1634C>T (NM_033150.3); short protein forms P49L.
Identifiers: ClinVar variation 2576891 (VCV002576891.5), dbSNP rs774081386, ClinGen allele CA6536086.